The following is an entry in ClinVar:

ClinVar aggregate classification (germline): Uncertain significance (1 of 4 stars; one submission).

Submission:

Ambry Genetics
Classification: Uncertain significance. Last evaluated: 2025-10-26. Review status: criteria provided, single submitter. Criteria: Ambry Variant Classification Scheme 2023. Collection method: clinical testing. Allele origin: germline.
Comment: The p.T680S variant (also known as c.2038A>T), located in coding exon 13 of the GEN1 gene, results from an A to T substitution at nucleotide position 2038. The threonine at codon 680 is replaced by serine, an amino acid with similar properties. This amino acid position is conserved. In addition, this alteration is predicted to be tolerated by in silico analysis. Based on the available evidence, the clinical significance of this variant remains unclear.

NM_001130009.3(GEN1):c.2038A>T (p.Thr680Ser)

Gene: GEN1 (GEN1 structure-specific endonuclease; plus strand). Cytogenetic location: 2p24.2.
Variant type: single nucleotide variant.
Coding change: c.2038A>T on transcript NM_001130009.3 (MANE Select); coding-DNA position 2038, A replaced by T.
Protein change: p.Thr680Ser; replaces threonine 680 with serine.
Molecular consequence: missense variant.
Genome position (GRCh38, 1-based): chr2:17,781,250, A>T. VCF-style: chr2-17781250-A-T. GRCh37 (hg19) VCF-style: chr2-17962517-A-T.
Other names: c.2038A>T, p.Thr680Ser (NM_182625.5); short protein forms T680S.
Identifiers: ClinVar variation 4671487 (VCV004671487.1).